The following is an entry in ClinVar:

ClinVar aggregate classification (germline): Conflicting classifications of pathogenicity. Review status: criteria provided, conflicting classifications (1 of 4 stars). 5 submissions from 5 submitters: Uncertain significance (4); Likely benign (1). Last evaluated 2025-05-23.

Conditions:
Patterned macular dystrophy 2. Identifiers: Orphanet 99001, MedGen C1837029, MONDO:0012162, OMIM 608970.
Hereditary cancer-predisposing syndrome. Also called: Hereditary Cancer Syndrome; Hereditary neoplastic syndrome; Tumor predisposition; Neoplastic Syndromes, Hereditary. Identifiers: Orphanet 140162, MedGen C0027672, MeSH D009386, MONDO:0015356.

Allele frequency attached by ClinVar (database versions not stated): TOPMed below 0.00001; gnomAD exomes 0.00002.
gnomAD v4.1: 29 of 1,611,274 alleles (0.0018%); highest among the groups gnomAD compares: Non-Finnish European, 0.0025%; no homozygotes.

Submissions (5):

Labcorp Genetics (formerly Invitae), Labcorp
Classification: Uncertain significance. Last evaluated: 2025-05-23. Review status: criteria provided, single submitter. Criteria: Invitae Variant Classification Sherloc (09022015). Collection method: clinical testing. Allele origin: germline.
Comment: This sequence change replaces aspartic acid, which is acidic and polar, with glutamic acid, which is acidic and polar, at codon 362 of the CTNNA1 protein (p.Asp362Glu). This variant is not present in population databases (gnomAD no frequency). This variant has not been reported in the literature in individuals affected with CTNNA1-related conditions. ClinVar contains an entry for this variant (Variation ID: 848415). Invitae Evidence Modeling of protein sequence and biophysical properties (such as structural, functional, and spatial information, amino acid conservation, physicochemical variation, residue mobility, and thermodynamic stability) indicates that this missense variant is not expected to disrupt CTNNA1 protein function with a negative predictive value of 80%. In summary, the available evidence is currently insufficient to determine the role of this variant in disease. Therefore, it has been classified as a Variant of Uncertain Significance.

Ambry Genetics
Classification: Likely benign for Hereditary cancer-predisposing syndrome. Last evaluated: 2025-01-03. Review status: criteria provided, single submitter. Criteria: Ambry Variant Classification Scheme 2023. Collection method: clinical testing. Allele origin: germline.

Blueprint Genetics
Classification: Uncertain significance. Last evaluated: 2023-11-01. Review status: criteria provided, single submitter. Criteria: ACMG Guidelines, 2015. Collection method: clinical testing. Allele origin: germline.

Baylor Genetics
Classification: Uncertain significance for Patterned macular dystrophy 2. Last evaluated: 2023-07-11. Review status: criteria provided, single submitter. Criteria: ACMG Guidelines, 2015. Collection method: clinical testing. Allele origin: unknown.

GeneDx
Classification: Uncertain significance. Last evaluated: 2022-05-05. Review status: criteria provided, single submitter. Criteria: GeneDx Variant Classification Process June 2021. Collection method: clinical testing. Allele origin: germline. Affected: yes.
Comment: Not observed at significant frequency in large population cohorts (gnomAD); In silico analysis supports that this missense variant does not alter protein structure/function; Identified in an individual undergoing multi-gene hereditary cancer testing (Clark 2020); This variant is associated with the following publications: (PMID: 32051609)

NM_001903.5(CTNNA1):c.1086T>G (p.Asp362Glu)

Gene: CTNNA1 (catenin alpha 1; plus strand). Cytogenetic location: 5q31.2.
Variant type: single nucleotide variant.
Coding change: c.1086T>G on transcript NM_001903.5 (MANE Select); coding-DNA position 1086, T replaced by G.
Protein change: p.Asp362Glu; replaces aspartic acid 362 with glutamic acid.
Molecular consequence: missense variant. On other transcripts: 5 prime UTR variant (26), intron variant (2).
Genome position (GRCh38, 1-based): chr5:138,886,235, T>G. VCF-style: chr5-138886235-T-G. GRCh37 (hg19) VCF-style: chr5-138221924-T-G.
Other names: c.1086T>G, p.Asp362Glu (NM_001290307.3, NM_001323982.2, NM_001323983.1 and 3 more transcripts); c.777T>G, p.Asp259Glu (NM_001290309.3); c.717T>G, p.Asp239Glu (NM_001290310.3); c.-25T>G (NM_001290312.1, NM_001323987.1, NM_001323988.1 and 18 more transcripts); c.-422T>G (NM_001324006.1, NM_001324007.1, NM_001324008.1 and 1 more transcripts); c.-297T>G (NM_001324013.1); c.-58+10638T>G (NM_001324012.1); c.-61+10638T>G (NM_001324010.1); short protein forms D239E, D362E, D259E.
Identifiers: ClinVar variation 848415 (VCV000848415.15), dbSNP rs1294061925, ClinGen allele CA361132519.
Genomic context (GRCh38, chr5:138,886,235, plus strand): 5'-AATGAATAAAATGCTCATCTCTTTTCCTTTTATCCAGGCTGGACGTAAAGAAAGAAGTGA[T>G]GCACTCAATTCTGCAATAGATAAAATGACCAAGAAGACCAGGGACTTGCGTAGACAGGTA-3'
Protein context (NP_001894.2, residues 352-372): MGNAGRKERS[Asp362Glu]ALNSAIDKMT